The following is an entry in ClinVar:

NM_000090.4(COL3A1):c.2490G>C (p.Pro830=)

Gene: COL3A1 (collagen type III alpha 1 chain; plus strand). Cytogenetic location: 2q32.2.
Variant type: single nucleotide variant.
Coding change: c.2490G>C on transcript NM_000090.4 (MANE Select); coding-DNA position 2490, G replaced by C.
Protein change: p.Pro830=; no amino-acid change (proline 830 retained).
Molecular consequence: synonymous variant.
Genome position (GRCh38, 1-based): chr2:189,002,999, G>C. VCF-style: chr2-189002999-G-C. GRCh37 (hg19) VCF-style: chr2-189867725-G-C.
Identifiers: ClinVar variation 381742 (VCV000381742.34), dbSNP rs777361888, ClinGen allele CA16604063.

ClinVar aggregate classification (germline): Likely benign. Review status: criteria provided, multiple submitters, no conflicts (2 of 4 stars). 7 submissions from 7 submitters: Likely benign (7). Last evaluated 2026-02-09.

Conditions:
Ehlers-Danlos syndrome, type 4 (EDSVASC). Also called: Ehlers-Danlos Syndrome Type IV; Ehlers-Danlos syndrome vascular type; Ehlers Danlos syndrome, ecchymotic type; Ehlers Danlos syndrome, arterial type; Ehlers Danlos syndrome, Sack-Barabas type. Identifiers: Orphanet 286, MedGen C0268338, MONDO:0017314, OMIM 130050.
Familial thoracic aortic aneurysm and aortic dissection (TAAD). Also called: Thoracic aortic aneurysms and dissections. Identifiers: Orphanet 91387, MedGen C4707243, MONDO:0019625.

Allele frequency attached by ClinVar (database versions not stated): TOPMed 0.00006.
gnomAD v4.1: 72 of 1,551,640 alleles (0.0046%); highest among the groups gnomAD compares: Non-Finnish European, 0.006%; no homozygotes.

Submissions (7):

Women's Health and Genetics/Laboratory Corporation of America, LabCorp
Classification: Likely benign. Last evaluated: 2026-02-09. Review status: criteria provided, single submitter. Criteria: LabCorp Variant Classification Summary - May 2015. Collection method: clinical testing. Allele origin: germline.

Labcorp Genetics (formerly Invitae), Labcorp
Classification: Likely benign for Ehlers-Danlos syndrome, type 4. Last evaluated: 2026-01-21. Review status: criteria provided, single submitter. Criteria: Invitae Variant Classification Sherloc (09022015). Collection method: clinical testing. Allele origin: germline.

CeGaT Center for Human Genetics Tuebingen
Classification: Likely benign. Last evaluated: 2025-02-01. Review status: criteria provided, single submitter. Criteria: CeGaT Center For Human Genetics Tuebingen Variant Classification Criteria Version 2. Collection method: clinical testing. Allele origin: germline. Affected: yes. Observed: 1 variant allele.
Comment: COL3A1: BP4, BP7

All of Us Research Program, National Institutes of Health
Classification: Likely benign for Ehlers-Danlos syndrome, type 4. Last evaluated: 2023-12-18. Review status: criteria provided, single submitter. Criteria: ACMG Guidelines, 2015. Collection method: clinical testing. Allele origin: germline. Inheritance: Autosomal dominant inheritance. Observed: 24 variant alleles, 24 heterozygotes.
Comment: This study involves interpretation of variants in research participants for the purpose of population health screening. Participant phenotype was not available at the time of variant classification. Additional details can be found in publication PMID: 35346344, PMCID: PMC8962531

GeneDx
Classification: Likely benign. Last evaluated: 2020-11-20. Review status: criteria provided, single submitter. Criteria: GeneDx Variant Classification Process June 2021. Collection method: clinical testing. Allele origin: germline. Affected: yes.

Color Diagnostics, LLC DBA Color Health
Classification: Likely benign for Familial thoracic aortic aneurysm and aortic dissection. Last evaluated: 2019-02-01. Review status: criteria provided, single submitter. Criteria: ACMG Guidelines, 2015. Collection method: clinical testing. Allele origin: germline.

Ambry Genetics
Classification: Likely benign for Familial thoracic aortic aneurysm and aortic dissection. Last evaluated: 2018-10-09. Review status: criteria provided, single submitter. Criteria: Ambry Variant Classification Scheme 2023. Collection method: clinical testing. Allele origin: germline.